The following is an entry in ClinVar:

ClinVar aggregate classification (germline): Uncertain significance. Review status: criteria provided, multiple submitters, no conflicts (2 of 4 stars). 2 submissions from 2 submitters: Uncertain significance (2). Last evaluated 2023-05-19.

Conditions:
Hypertrophic cardiomyopathy. Also called: HYPERTROPHIC MYOCARDIOPATHY. Identifiers: Orphanet 217569, MedGen C0007194, MeSH D002312, MONDO:0005045, HP:0001639.
Cardiomyopathy (CMYO). Also called: Cardiomyopathies. Identifiers: Orphanet 167848, MedGen C0878544, MONDO:0004994, HP:0001638. Inheritance: Various modes of inheritance.

Submissions (2):

Labcorp Genetics (formerly Invitae), Labcorp
Classification: Uncertain significance for Hypertrophic cardiomyopathy. Last evaluated: 2023-05-19. Review status: criteria provided, single submitter. Criteria: Invitae Variant Classification Sherloc (09022015). Collection method: clinical testing. Allele origin: germline.
Comment: This variant is not present in population databases (gnomAD no frequency). This sequence change replaces glutamine, which is neutral and polar, with histidine, which is basic and polar, at codon 209 of the MYH7 protein (p.Gln209His). This variant has not been reported in the literature in individuals affected with MYH7-related conditions. ClinVar contains an entry for this variant (Variation ID: 1368361). Advanced modeling of protein sequence and biophysical properties (such as structural, functional, and spatial information, amino acid conservation, physicochemical variation, residue mobility, and thermodynamic stability) has been performed at Invitae for this missense variant, however the output from this modeling did not meet the statistical confidence thresholds required to predict the impact of this variant on MYH7 protein function. In summary, the available evidence is currently insufficient to determine the role of this variant in disease. Therefore, it has been classified as a Variant of Uncertain Significance.

All of Us Research Program, National Institutes of Health
Classification: Uncertain significance for Cardiomyopathy. Last evaluated: 2023-02-15. Review status: criteria provided, single submitter. Criteria: ACMG Guidelines, 2015. Collection method: clinical testing. Allele origin: germline. Inheritance: Autosomal dominant inheritance. Observed: 1 variant allele, 1 heterozygote.
Comment: This missense variant replaces glutamine with histidine at codon 209 of the MYH7 protein. Computational prediction suggests that this variant may not impact protein structure and function (internally defined REVEL score threshold <= 0.5, PMID: 27666373). To our knowledge, functional studies have not been reported for this variant. This variant has not been reported in individuals affected with cardiovascular disorders in the literature. This variant has not been identified in the general population by the Genome Aggregation Database (gnomAD). The available evidence is insufficient to determine the role of this variant in disease conclusively. Therefore, this variant is classified as a Variant of Uncertain Significance.

This study involves interpretation of variants in research participants for the purpose of population health screening. Participant phenotype was not available at the time of variant classification. Additional details can be found in publication PMID: 35346344, PMCID: PMC8962531

NM_000257.4(MYH7):c.627G>C (p.Gln209His)

Gene: MYH7 (myosin heavy chain 7; minus strand). Cytogenetic location: 14q11.2.
Variant type: single nucleotide variant.
Coding change: c.627G>C on transcript NM_000257.4 (MANE Select); coding-DNA position 627, G replaced by C.
Protein change: p.Gln209His; replaces glutamine 209 with histidine.
Molecular consequence: missense variant.
Genome position (GRCh38, 1-based): chr14:23,431,773, C>G on the plus strand (G>C on the coding strand, the complement: MYH7 is on the minus strand). VCF-style: chr14-23431773-C-G. GRCh37 (hg19) VCF-style: chr14-23900982-C-G.
Other names: short protein forms Q209H.
Identifiers: ClinVar variation 1368361 (VCV001368361.9), dbSNP rs955983170, ClinGen allele CA389052392.